The following is an entry in ClinVar:

ClinVar aggregate classification (germline): Likely pathogenic. Review status: no assertion criteria provided (0 of 4 stars). 2 submissions from 2 submitters: Likely pathogenic (2). Last evaluated 2025-09-01.

Conditions:
Thrombophilia due to protein S deficiency, autosomal dominant (THPH5). Identifiers: Orphanet 26349, Orphanet 743, MedGen C3278211, MONDO:0012868, OMIM 612336. Disease mechanism: loss of function.

Submissions (2):

Department of Transfusion Medicine and Hemostaseology, University Hospital Erlangen
Classification: Likely pathogenic for Thrombophilia due to protein S deficiency, autosomal dominant. Last evaluated: 2025-09-01. Review status: no assertion criteria provided. Collection method: clinical testing. Allele origin: germline.
Comment: This variant was identified during a screening of patients with suspected hereditary Protein S deficiency. It has been described in the literature as correlating with protein S deficiency (PMID: 34939974) and has been characterized in vitro as causative for Protein S deficiency (PMID: 38469768). No allele frequency is reported in dbSNP. While PolyPhen-2 and SIFT classify this variant as likely pathogenic, it is classified as of uncertain significance by AlphaMissense. Taken together, we classified this variant as likely pathogenic.

Laboratory for Immunogenetics and Molecular Haemostaseology, Universitaetsklinikum Erlangen
Classification: Likely pathogenic for Thrombophilia due to protein S deficiency, autosomal dominant. Last evaluated: 2021-01-15. Review status: no assertion criteria provided. Collection method: clinical testing. Allele origin: unknown, inherited. Inheritance: Autosomal dominant inheritance. Affected: yes. Observed: 4 variant alleles, 4 heterozygotes.

Literature cited by the submitters: PubMed 34939974 (cited by Department of Transfusion Medicine and Hemostaseology, University Hospital Erlangen); PubMed 38469768 (cited by Department of Transfusion Medicine and Hemostaseology, University Hospital Erlangen).

NM_000313.4(PROS1):c.1904T>C (p.Phe635Ser)

Gene: PROS1 (protein S; minus strand). Cytogenetic location: 3q11.1.
Variant type: single nucleotide variant.
Coding change: c.1904T>C on transcript NM_000313.4 (MANE Select); coding-DNA position 1904, T replaced by C.
Protein change: p.Phe635Ser; replaces phenylalanine 635 with serine.
Molecular consequence: missense variant.
Genome position (GRCh38, 1-based): chr3:93,874,372, A>G on the plus strand (T>C on the coding strand, the complement: PROS1 is on the minus strand). VCF-style: chr3-93874372-A-G. GRCh37 (hg19) VCF-style: chr3-93593216-A-G.
Other names: c.2000T>C, p.Phe667Ser (NM_001314077.2); short protein forms F635S, F667S.
Identifiers: ClinVar variation 1064419 (VCV001064419.3), dbSNP rs2107120174, ClinGen allele CA353670035.